The following is an entry in ClinVar:

NC_000022.10:g.(?_24129357)_(24145619_?)dup

Gene: SMARCB1 (SWI/SNF related BAF chromatin remodeling complex subunit B1; plus strand). Cytogenetic location: 22q11.23.
Variant type: Duplication.
Identifiers: ClinVar variation 1015172 (VCV001015172.5).

ClinVar aggregate classification (germline): Uncertain significance (1 of 4 stars; one submission).

Submission:

Labcorp Genetics (formerly Invitae), Labcorp
Classification: Uncertain significance. Last evaluated: 2023-08-28. Review status: criteria provided, single submitter. Criteria: Invitae Variant Classification Sherloc (09022015). Collection method: clinical testing. Allele origin: germline.
Comment: This variant results in a copy number gain of the genomic region encompassing exon(s) 1-5 of the SMARCB1 gene. This region includes the initiator codon of the gene. This copy number gain extends beyond the assayed region for this gene and therefore may encompass additional genes. As the precise location of this event is unknown, it may be in tandem or it may be located elsewhere in the genome. This variant has not been reported in the literature in individuals affected with SMARCB1-related conditions. Experimental studies and prediction algorithms are not available or were not evaluated, and the functional significance of this variant is currently unknown. In summary, the available evidence is currently insufficient to determine the role of this variant in disease. Therefore, it has been classified as a Variant of Uncertain Significance.